The following is an entry in ClinVar:

ClinVar aggregate classification (germline): Likely benign. Review status: criteria provided, multiple submitters, no conflicts (2 of 4 stars). 2 submissions from 2 submitters: Likely benign (2). Last evaluated 2026-07-01.

Conditions:
Inborn genetic diseases. Identifiers: MedGen C0950123, MeSH D030342.

Allele frequency attached by ClinVar (database versions not stated): gnomAD 0.00005; TOPMed 0.00008; ExAC 0.00014.
gnomAD v4.1: 67 of 1,613,992 alleles (0.0042%); highest among the groups gnomAD compares: Admixed American, 0.1%; no homozygotes.

Submissions (2):

CeGaT Center for Human Genetics Tuebingen
Classification: Likely benign. Last evaluated: 2026-07-01. Review status: criteria provided, single submitter. Criteria: CeGaT Center For Human Genetics Tuebingen Variant Classification Criteria Version 2. Collection method: clinical testing. Allele origin: germline. Affected: yes. Observed: 1 variant allele.
Comment: SPTBN1: BS1

Ambry Genetics
Classification: Likely benign for Inborn genetic diseases. Last evaluated: 2024-01-22. Review status: criteria provided, single submitter. Criteria: Ambry Variant Classification Scheme 2023. Collection method: clinical testing. Allele origin: germline.

NM_003128.3(SPTBN1):c.4201A>G (p.Ser1401Gly)

Gene: SPTBN1 (spectrin beta, non-erythrocytic 1; plus strand). Cytogenetic location: 2p16.2.
Variant type: single nucleotide variant.
Coding change: c.4201A>G on transcript NM_003128.3 (MANE Select); coding-DNA position 4201, A replaced by G.
Protein change: p.Ser1401Gly; replaces serine 1401 with glycine.
Molecular consequence: missense variant.
Genome position (GRCh38, 1-based): chr2:54,644,518, A>G. VCF-style: chr2-54644518-A-G. GRCh37 (hg19) VCF-style: chr2-54871655-A-G.
Other names: c.4162A>G, p.Ser1388Gly (NM_178313.3); short protein forms S1401G, S1388G.
Identifiers: ClinVar variation 3169538 (VCV003169538.2), dbSNP rs778690354, ClinGen allele CA1660995.